The following is an entry in ClinVar:

NC_000005.10:g.112707394A>G

Gene: APC (APC regulator of Wnt signaling pathway; plus strand). Cytogenetic location: 5q22.2.
Variant type: single nucleotide variant.
Genome position: GRCh38 VCF-style: chr5-112707394-A-G. GRCh37 (hg19) VCF-style: chr5-112043091-A-G.
Identifiers: ClinVar variation 537693 (VCV000537693.10), dbSNP rs571137741, ClinGen allele CA124924620.

ClinVar aggregate classification (germline): Uncertain significance (1 of 4 stars; one submission).

Conditions:
Familial adenomatous polyposis 1 (FAP1). Also called: FAMILIAL ADENOMATOUS POLYPOSIS 1, ATTENUATED; POLYPOSIS, ADENOMATOUS INTESTINAL. Identifiers: MedGen C2713442, MONDO:0021056, OMIM 175100. Disease mechanism: loss of function.

Allele frequency attached by ClinVar (database versions not stated): TOPMed 0.00004; gnomAD exomes 0.00001; 1000 Genomes Project 30x 0.00016.

Submission:

Labcorp Genetics (formerly Invitae), Labcorp
Classification: Uncertain significance for Familial adenomatous polyposis 1. Last evaluated: 2025-11-04. Review status: criteria provided, single submitter. Criteria: Invitae Variant Classification Sherloc (09022015). Collection method: clinical testing. Allele origin: germline.
Comment: This variant occurs in a non-coding region of the APC gene. It does not change the encoded amino acid sequence of the APC protein. This variant is not present in population databases (gnomAD no frequency). This variant has not been reported in the literature in individuals affected with APC-related conditions. ClinVar contains an entry for this variant (Variation ID: 537693). Experimental studies and prediction algorithms are not available or were not evaluated, and the functional significance of this variant is currently unknown. In summary, the available evidence is currently insufficient to determine the role of this variant in disease. Therefore, it has been classified as a Variant of Uncertain Significance.